The following is an entry in ClinVar:

NM_006096.4(NDRG1):c.100-3C>T

Gene: NDRG1 (N-myc downstream regulated 1; minus strand). Cytogenetic location: 8q24.22.
Variant type: single nucleotide variant.
Coding change: c.100-3C>T on transcript NM_006096.4 (MANE Select); 3 bases into the intron before coding-DNA position 100, C replaced by T.
Molecular consequence: intron variant.
Genome position (GRCh38, 1-based): chr8:133,264,655, G>A on the plus strand (C>T on the coding strand, the complement: NDRG1 is on the minus strand). VCF-style: chr8-133264655-G-A. GRCh37 (hg19) VCF-style: chr8-134276898-G-A.
Other names: c.-99-3C>T (NM_001258432.2, NM_001374847.1); c.-38-2488C>T (NM_001258433.2); c.100-3C>T (NM_001374844.1, NM_001135242.2, NM_001374845.1 and 1 more transcripts).
Identifiers: ClinVar variation 917155 (VCV000917155.5), dbSNP rs775475505, ClinGen allele CA4886884.
Genomic context (GRCh38, chr8:133,264,655, plus strand): 5'-TGGGAGTCCCACACAGCGTGACGTGAACAGAGCCATGTAAAGTCTCGATGTCCTGCTCCT[G>A]AGGAGACACAGCAGACAGTGGGCTGGTCATGTGGGGTTCATGGCATCCGCGTGGCTGAAG-3'

ClinVar aggregate classification (germline): Conflicting classifications of pathogenicity. Review status: criteria provided, conflicting classifications (1 of 4 stars). 3 submissions from 3 submitters: Uncertain significance (1); Likely benign (1). 1 of the submissions does not count toward it. Last evaluated 2019-07-12.

Conditions:
Charcot-Marie-Tooth disease type 4. Also called: Charcot-Marie-Tooth, Type 4; Charcot-Marie-Tooth disease, type IV. Identifiers: Orphanet 64749, MedGen C4082197, MONDO:0018995.
Charcot-Marie-Tooth disease type 4D. Also called: NEUROPATHY, HEREDITARY MOTOR AND SENSORY, LOM TYPE; CHARCOT-MARIE-TOOTH DISEASE, DEMYELINATING, TYPE 4D; CHARCOT-MARIE-TOOTH DISEASE, DEMYELINATING, AUTOSOMAL RECESSIVE, TYPE 4D; Charcot-Marie-Tooth Neuropathy Type 4D. Identifiers: Orphanet 99950, MedGen C1832334, MONDO:0011085, OMIM 601455.
Charcot-Marie-Tooth disease. Also called: Charcot-Marie-Tooth Hereditary Neuropathy; Charcot-Marie-Tooth Neuropathy. Identifiers: Orphanet 166, MedGen C0007959, MONDO:0015626.

Allele frequency attached by ClinVar (database versions not stated): ExAC 0.00001; gnomAD exomes 0.00001; gnomAD 0.00002; TOPMed 0.00002.
gnomAD v4.1: 17 of 1,613,496 alleles (0.0011%); highest among the groups gnomAD compares: Middle Eastern, 0.016%; no homozygotes.

Submissions (3):

Labcorp Genetics (formerly Invitae), Labcorp
Classification: Uncertain significance for Charcot-Marie-Tooth disease type 4. Last evaluated: 2019-07-12. Review status: criteria provided, single submitter. Criteria: Invitae Variant Classification Sherloc (09022015). Collection method: clinical testing. Allele origin: germline.
Comment: This sequence change falls in intron 3 of the NDRG1 gene. It does not directly change the encoded amino acid sequence of the NDRG1 protein, but it affects a nucleotide within the consensus splice site of the intron. This variant is present in population databases (rs775475505, ExAC 0.001%). This variant has not been reported in the literature in individuals with NDRG1-related disease. Nucleotide substitutions within the consensus splice site are a relatively common cause of aberrant splicing (PMID: 17576681, 9536098). Algorithms developed to predict the effect of sequence changes on RNA splicing suggest that this variant is not likely to affect RNA splicing, but this prediction has not been confirmed by published transcriptional studies. In summary, the available evidence is currently insufficient to determine the role of this variant in disease. Therefore, it has been classified as a Variant of Uncertain Significance.

Molecular Genetics Laboratory, London Health Sciences Centre
Classification: Likely benign for Charcot-Marie-Tooth disease. Review status: criteria provided, single submitter. Criteria: ACMG Guidelines, 2015. Collection method: clinical testing. Allele origin: germline. Affected: yes.

Natera, Inc.
Classification: Uncertain significance for Charcot-Marie-Tooth disease type 4D. Last evaluated: 2020-06-11. Review status: no assertion criteria provided. Collection method: clinical testing. Allele origin: germline. Not counted in ClinVar's aggregate classification.

Literature cited by the submitters: PubMed 17576681 (cited by Labcorp Genetics (formerly Invitae), Labcorp); PubMed 9536098 (cited by Labcorp Genetics (formerly Invitae), Labcorp).